The following is an entry in ClinVar:

ClinVar aggregate classification (germline): Uncertain significance (1 of 4 stars; one submission).

Conditions:
Cutis laxa, autosomal dominant 3 (ADCL3). Identifiers: Orphanet 90348, MedGen C4225268, MONDO:0014706, OMIM 616603.
Autosomal dominant spastic paraplegia type 9. Identifiers: MedGen C1832669, MONDO:0015091.
de Barsy syndrome. Also called: Cutis laxa-corneal clouding-oligophrenia syndrome. Identifiers: Orphanet 2962, MedGen C0268354, MONDO:0017569.

Submission:

Labcorp Genetics (formerly Invitae), Labcorp
Classification: Uncertain significance for Autosomal dominant spastic paraplegia type 9; de Barsy syndrome; Cutis laxa, autosomal dominant 3. Last evaluated: 2024-04-14. Review status: criteria provided, single submitter. Criteria: Invitae Variant Classification Sherloc (09022015). Collection method: clinical testing. Allele origin: germline.
Comment: This sequence change replaces threonine, which is neutral and polar, with serine, which is neutral and polar, at codon 760 of the ALDH18A1 protein (p.Thr760Ser). This variant is not present in population databases (gnomAD no frequency). This variant has not been reported in the literature in individuals affected with ALDH18A1-related conditions. Advanced modeling of protein sequence and biophysical properties (such as structural, functional, and spatial information, amino acid conservation, physicochemical variation, residue mobility, and thermodynamic stability) has been performed at Invitae for this missense variant, however the output from this modeling did not meet the statistical confidence thresholds required to predict the impact of this variant on ALDH18A1 protein function. Algorithms developed to predict the effect of sequence changes on RNA splicing suggest that this variant may create or strengthen a splice site. In summary, the available evidence is currently insufficient to determine the role of this variant in disease. Therefore, it has been classified as a Variant of Uncertain Significance.

NM_002860.4(ALDH18A1):c.2279C>G (p.Thr760Ser)

Gene: ALDH18A1 (aldehyde dehydrogenase 18 family member A1; minus strand). Cytogenetic location: 10q24.1.
Variant type: single nucleotide variant.
Coding change: c.2279C>G on transcript NM_002860.4 (MANE Select); coding-DNA position 2279, C replaced by G.
Protein change: p.Thr760Ser; replaces threonine 760 with serine.
Molecular consequence: missense variant.
Genome position (GRCh38, 1-based): chr10:95,606,871, G>C on the plus strand (C>G on the coding strand, the complement: ALDH18A1 is on the minus strand). VCF-style: chr10-95606871-G-C. GRCh37 (hg19) VCF-style: chr10-97366628-G-C.
Other names: c.2273C>G, p.Thr758Ser (NM_001017423.2, NM_001323415.2); c.1946C>G, p.Thr649Ser (NM_001323412.2, NM_001323416.2); c.2279C>G, p.Thr760Ser (NM_001323413.2, NM_001323414.2); c.2174C>G, p.Thr725Ser (NM_001323417.2); c.1940C>G, p.Thr647Ser (NM_001323418.2); c.1643C>G, p.Thr548Ser (NM_001323419.2); short protein forms T548S, T647S, T649S, T725S, T758S, T760S.
Identifiers: ClinVar variation 3755841 (VCV003755841.2).